The following is an entry in ClinVar:

ClinVar aggregate classification (germline): Uncertain significance (1 of 4 stars; one submission).

Allele frequency attached by ClinVar (database versions not stated): TOPMed 0.00001; ESP Exome Variant Server 0.00017.
gnomAD v4.1: 98 of 1,613,828 alleles (0.0061%); highest among the groups gnomAD compares: Non-Finnish European, 0.0079%; no homozygotes.

Submission:

GeneDx
Classification: Uncertain significance. Last evaluated: 2023-02-27. Review status: criteria provided, single submitter. Criteria: GeneDx Variant Classification Process June 2021. Collection method: clinical testing. Allele origin: germline. Affected: yes.
Comment: Not observed at significant frequency in large population cohorts (gnomAD); In silico analysis supports that this missense variant does not alter protein structure/function; Has not been previously published as pathogenic or benign to our knowledge

NM_144508.5(KNL1):c.2960C>T (p.Thr987Ile)

Gene: KNL1 (kinetochore scaffold 1; plus strand). Cytogenetic location: 15q15.1.
Variant type: single nucleotide variant.
Coding change: c.2960C>T on transcript NM_144508.5 (MANE Select); coding-DNA position 2960, C replaced by T.
Protein change: p.Thr987Ile; replaces threonine 987 with isoleucine.
Molecular consequence: missense variant.
Genome position (GRCh38, 1-based): chr15:40,623,224, C>T. VCF-style: chr15-40623224-C-T. GRCh37 (hg19) VCF-style: chr15-40915422-C-T.
Other names: c.3038C>T, p.Thr1013Ile (NM_170589.5); short protein forms T1013I, T987I.
Identifiers: ClinVar variation 2430656 (VCV002430656.1), dbSNP rs367568855, ClinGen allele CA7482933.